The following is an entry in ClinVar:

NM_002474.3(MYH11):c.3713G>A (p.Gly1238Glu)

Gene: MYH11 (myosin heavy chain 11; minus strand). Cytogenetic location: 16p13.11.
Variant type: single nucleotide variant.
Coding change: c.3713G>A on transcript NM_002474.3 (MANE Select); coding-DNA position 3713, G replaced by A.
Protein change: p.Gly1238Glu; replaces glycine 1238 with glutamic acid.
Molecular consequence: missense variant.
Genome position (GRCh38, 1-based): chr16:15,726,993, C>T on the plus strand (G>A on the coding strand, the complement: MYH11 is on the minus strand). VCF-style: chr16-15726993-C-T. GRCh37 (hg19) VCF-style: chr16-15820850-C-T.
Other names: c.3734G>A, p.Gly1245Glu (NM_001040113.2, NM_001040114.2); c.3713G>A, p.Gly1238Glu (NM_022844.3); c.3713G>A (NM_002474.2); short protein forms G1238E, G1245E.
Identifiers: ClinVar variation 3069646 (VCV003069646.2), dbSNP rs759954542, ClinGen allele CA394860218.

ClinVar aggregate classification (germline): Uncertain significance. Review status: criteria provided, multiple submitters, no conflicts (2 of 4 stars). 2 submissions from 2 submitters: Uncertain significance (2). Last evaluated 2026-07-02.

Conditions:
Familial thoracic aortic aneurysm and aortic dissection (TAAD). Also called: Thoracic aortic aneurysms and dissections. Identifiers: Orphanet 91387, MedGen C4707243, MONDO:0019625.

Submissions (2):

Ambry Genetics
Classification: Uncertain significance for Familial thoracic aortic aneurysm and aortic dissection. Last evaluated: 2026-07-02. Review status: criteria provided, single submitter. Criteria: Ambry Variant Classification Scheme 2023. Collection method: clinical testing. Allele origin: germline.
Comment: The p.G1238E variant (also known as c.3713G>A), located in coding exon 27 of the MYH11 gene, results from a G to A substitution at nucleotide position 3713. The glycine at codon 1238 is replaced by glutamic acid, an amino acid with similar properties. This amino acid position is conserved. In addition, this alteration is predicted to be tolerated by in silico analysis. Based on the available evidence, the clinical significance of this variant remains unclear.

All of Us Research Program, National Institutes of Health
Classification: Uncertain significance for Familial thoracic aortic aneurysm and aortic dissection. Last evaluated: 2023-02-24. Review status: criteria provided, single submitter. Criteria: ACMG Guidelines, 2015. Collection method: clinical testing. Allele origin: germline. Inheritance: Autosomal dominant inheritance. Observed: 1 variant allele, 1 heterozygote.
Comment: This missense variant replaces glycine with glutamic acid at codon 1245 of the MYH11 protein. Computational prediction suggests that this variant may not impact protein structure and function (internally defined REVEL score threshold <= 0.5, PMID: 27666373). To our knowledge, functional studies have not been reported for this variant. This variant has not been reported in individuals affected with MYH11-related disorders in the literature. This variant has not been identified in the general population by the Genome Aggregation Database (gnomAD). The available evidence is insufficient to determine the role of this variant in disease conclusively. Therefore, this variant is classified as a Variant of Uncertain Significance.

This study involves interpretation of variants in research participants for the purpose of population health screening. Participant phenotype was not available at the time of variant classification. Additional details can be found in publication PMID: 35346344, PMCID: PMC8962531